The following is an entry in ClinVar:

NM_001243279.3(ACSF3):c.491G>A (p.Gly164Glu)

Gene: ACSF3 (acyl-CoA synthetase family member 3; plus strand). Cytogenetic location: 16q24.3.
Variant type: single nucleotide variant.
Coding change: c.491G>A on transcript NM_001243279.3 (MANE Select); coding-DNA position 491, G replaced by A.
Protein change: p.Gly164Glu; replaces glycine 164 with glutamic acid.
Molecular consequence: missense variant. On other transcripts: non-coding transcript variant (3), intron variant (1).
Genome position (GRCh38, 1-based): chr16:89,101,172, G>A. VCF-style: chr16-89101172-G-A. GRCh37 (hg19) VCF-style: chr16-89167580-G-A.
Other names: c.491G>A, p.Gly164Glu (NM_001127214.4, NM_174917.5); c.-129-1432G>A (NM_001284316.2); short protein forms G164E.
Identifiers: ClinVar variation 930349 (VCV000930349.3), dbSNP rs747228733, ClinGen allele CA397134836.
Genomic context (GRCh38, chr16:89,101,172, plus strand): 5'-CTGTGGTCCTTGCCAGCCAGGAGTACCTGGAGCTCCTGAGCCCGGTGGTCAGGAAGCTGG[G>A]GGTCCCGCTGCTGCCGCTCACACCAGCCATCTACACTGGAGCAGTAGAGGAACCGGCAGA-3'
Protein context (NP_001230208.1, residues 154-174): ELLSPVVRKL[Gly164Glu]VPLLPLTPAI

ClinVar aggregate classification (germline): Uncertain significance (1 of 4 stars; one submission).

Conditions:
Combined malonic and methylmalonic acidemia. Identifiers: Orphanet 289504, MedGen C3280314, MONDO:0013661, OMIM 614265.

Submission:

Centre for Mendelian Genomics, University Medical Centre Ljubljana
Classification: Uncertain significance for Combined malonic and methylmalonic acidemia. Last evaluated: 2019-01-30. Review status: criteria provided, single submitter. Criteria: ACMG Guidelines, 2015. Collection method: clinical testing. Allele origin: unknown. Affected: yes.
Comment: This variant was classified as: Uncertain significance. The available evidence on this variant's pathogenicity is insufficient or conflicting. The following ACMG criteria were applied in classifying this variant: PM2,PP3.